The following is an entry in ClinVar:

NM_001376.5(DYNC1H1):c.9698A>G (p.Asn3233Ser)

Gene: DYNC1H1 (dynein cytoplasmic 1 heavy chain 1; plus strand). Cytogenetic location: 14q32.31.
Variant type: single nucleotide variant.
Coding change: c.9698A>G on transcript NM_001376.5 (MANE Select); coding-DNA position 9698, A replaced by G.
Protein change: p.Asn3233Ser; replaces asparagine 3233 with serine.
Molecular consequence: missense variant.
Genome position (GRCh38, 1-based): chr14:102,029,874, A>G. VCF-style: chr14-102029874-A-G. GRCh37 (hg19) VCF-style: chr14-102496211-A-G.
Other names: short protein forms N3233S.
Identifiers: ClinVar variation 3366107 (VCV003366107.1).

ClinVar aggregate classification (germline): Uncertain significance (1 of 4 stars; one submission).

Submission:

GeneDx
Classification: Uncertain significance. Last evaluated: 2023-10-15. Review status: criteria provided, single submitter. Criteria: GeneDx Variant Classification Process June 2021. Collection method: clinical testing. Allele origin: germline. Affected: yes.
Comment: Not observed at significant frequency in large population cohorts (gnomAD); In silico analysis supports that this missense variant has a deleterious effect on protein structure/function; Has not been previously published as pathogenic or benign to our knowledge; This variant is associated with the following publications: (PMID: 26100331, 25512093, 25609763)